The following is an entry in ClinVar:

ClinVar aggregate classification (germline): Uncertain significance (1 of 4 stars; one submission).

Conditions:
Lethal congenital glycogen storage disease of heart. Also called: GLYCOGEN STORAGE DISEASE OF HEART; PHOSPHORYLASE KINASE DEFICIENCY OF HEART. Identifiers: Orphanet 439854, MedGen C1849813, MONDO:0009867, OMIM 261740.

Submission:

Labcorp Genetics (formerly Invitae), Labcorp
Classification: Uncertain significance for Lethal congenital glycogen storage disease of heart. Last evaluated: 2025-07-11. Review status: criteria provided, single submitter. Criteria: Invitae Variant Classification Sherloc (09022015). Collection method: clinical testing. Allele origin: germline.
Comment: This variant, c.421_423del, results in the deletion of 1 amino acid(s) of the PRKAG2 protein (p.Ala141del), but otherwise preserves the integrity of the reading frame. This variant is not present in population databases (gnomAD no frequency). This variant has not been reported in the literature in individuals affected with PRKAG2-related conditions. Experimental studies and prediction algorithms are not available or were not evaluated, and the functional significance of this variant is currently unknown. In summary, the available evidence is currently insufficient to determine the role of this variant in disease. Therefore, it has been classified as a Variant of Uncertain Significance.

NM_016203.4(PRKAG2):c.421_423del (p.Ala141del)

Gene: PRKAG2 (protein kinase AMP-activated non-catalytic subunit gamma 2; minus strand). Cytogenetic location: 7q36.1.
Variant type: Deletion.
Coding change: c.421_423del on transcript NM_016203.4 (MANE Select); coding-DNA positions 421 to 423, 3 bases deleted (GCT; older notation c.421_423delGCT).
Protein change: p.Ala141del; deletes alanine 141.
Molecular consequence: inframe deletion. On other transcripts: intron variant (1).
Genome position (GRCh38, 1-based): chr7:151,781,195-151,781,197, AGC deleted on the plus strand (GCT on the coding strand, the reverse complement: PRKAG2 is on the minus strand); deleting any 3 consecutive bases within chr7:151,781,195-151,781,199 gives the same sequence; the c. name uses the placement nearest the transcript's 3' end. VCF-style (leftmost placement, unchanged base first): chr7-151781194-TAGC-T. GRCh37 (hg19) VCF-style: chr7-151478280-TAGC-T.
Other names: c.289_291del, p.Ala97del (NM_001040633.2, NM_001407024.1, NM_001407026.1 and 2 more transcripts); c.421_423del, p.Ala141del (NM_001407021.1, NM_001407022.1, NM_001407023.1 and 2 more transcripts); c.148+33219_148+33221del (NM_001407032.1); short protein forms A141del, A97del.
Identifiers: ClinVar variation 4719750 (VCV004719750.1).
Genomic context (GRCh38, chr7:151,781,194, plus strand): 5'-ATAGCATCAAGGTCTTACTTTTTCTGGAGCGGGAGAAAAACCTGATGCCCCCGGGCGAGG[TAGC>T]AGGGTTGGAGTTGGGGGAAGACTCTTTGGAGGAGGAGCGGAAGATCCCACTGAAGCTCAT-3'